The following is an entry in ClinVar:

ClinVar aggregate classification (germline): Uncertain significance. Review status: criteria provided, multiple submitters, no conflicts (2 of 4 stars). 4 submissions from 4 submitters: Uncertain significance (4). Last evaluated 2025-10-22.

Conditions:
CEP290-related disorder. Also called: CEP290-related disorders; CEP290-related condition. Identifiers: MedGen CN239314.
Joubert syndrome. Also called: JOUBERT-BOLTSHAUSER SYNDROME; Familial aplasia of the vermis. Identifiers: Orphanet 475, MedGen C5979921, MONDO:0018772.
Nephronophthisis. Also called: Juvenile Nephronophthisis. Identifiers: Orphanet 655, MedGen C0687120, MONDO:0019005, HP:0000090.
Meckel-Gruber syndrome. Also called: DYSENCEPHALIA SPLANCHNOCYSTICA; GRUBER SYNDROME; Dysencephalia splachnocystica. Identifiers: Orphanet 564, MedGen C0265215, MONDO:0018921.
Inborn genetic diseases. Identifiers: MedGen C0950123, MeSH D030342.

Allele frequency attached by ClinVar (database versions not stated): gnomAD 0.00001; TOPMed 0.00001; gnomAD exomes 0.00005.
gnomAD v4.1: 74 of 1,558,404 alleles (0.0047%); highest among the groups gnomAD compares: Non-Finnish European, 0.0063%; no homozygotes.

Submissions (4):

Ambry Genetics
Classification: Uncertain significance for Inborn genetic diseases. Last evaluated: 2025-10-22. Review status: criteria provided, single submitter. Criteria: Ambry Variant Classification Scheme 2023. Collection method: clinical testing. Allele origin: germline.

PreventionGenetics, part of Exact Sciences
Classification: Uncertain significance for CEP290-related condition. Last evaluated: 2025-10-07. Review status: criteria provided, single submitter. Criteria: ACMG Guidelines, 2015. Collection method: clinical testing. Allele origin: germline.
Comment: The CEP290 c.6541A>G variant is predicted to result in the amino acid substitution p.Lys2181Glu. To our knowledge, this variant has not been reported in the literature. This variant is reported in 0.0013% of alleles in individuals of European (Non-Finnish) descent in gnomAD. At this time, the clinical significance of this variant is uncertain due to the absence of conclusive functional and genetic evidence.

Blueprint Genetics
Classification: Uncertain significance. Last evaluated: 2024-11-01. Review status: criteria provided, single submitter. Criteria: ACMG Guidelines, 2015. Collection method: clinical testing. Allele origin: germline.

Labcorp Genetics (formerly Invitae), Labcorp
Classification: Uncertain significance for Joubert syndrome; Meckel-Gruber syndrome; Nephronophthisis. Last evaluated: 2022-01-01. Review status: criteria provided, single submitter. Criteria: Invitae Variant Classification Sherloc (09022015). Collection method: clinical testing. Allele origin: germline.
Comment: This sequence change replaces lysine, which is basic and polar, with glutamic acid, which is acidic and polar, at codon 2181 of the CEP290 protein (p.Lys2181Glu). This variant is present in population databases (no rsID available, gnomAD 0.003%). This variant has not been reported in the literature in individuals affected with CEP290-related conditions. Algorithms developed to predict the effect of missense changes on protein structure and function are either unavailable or do not agree on the potential impact of this missense change (SIFT: "Deleterious"; PolyPhen-2: "Benign"; Align-GVGD: "Class C0"). In summary, the available evidence is currently insufficient to determine the role of this variant in disease. Therefore, it has been classified as a Variant of Uncertain Significance.

NM_025114.4(CEP290):c.6541A>G (p.Lys2181Glu)

Gene: CEP290 (centrosomal protein 290; minus strand). Cytogenetic location: 12q21.32.
Variant type: single nucleotide variant.
Coding change: c.6541A>G on transcript NM_025114.4 (MANE Select); coding-DNA position 6541, A replaced by G.
Protein change: p.Lys2181Glu; replaces lysine 2181 with glutamic acid.
Molecular consequence: missense variant.
Genome position (GRCh38, 1-based): chr12:88,060,002, T>C on the plus strand (A>G on the coding strand, the complement: CEP290 is on the minus strand). VCF-style: chr12-88060002-T-C. GRCh37 (hg19) VCF-style: chr12-88453779-T-C.
Other names: c.6541A>G (NM_025114.3); short protein forms K2181E.
Identifiers: ClinVar variation 2162347 (VCV002162347.4), dbSNP rs1301427015, ClinGen allele CA385978367.